The following is an entry in ClinVar:

ClinVar aggregate classification (germline): Pathogenic (1 of 4 stars; one submission).

Submission:

Labcorp Genetics (formerly Invitae), Labcorp
Classification: Pathogenic. Last evaluated: 2025-12-06. Review status: criteria provided, single submitter. Criteria: Invitae Variant Classification Sherloc (09022015). Collection method: clinical testing. Allele origin: germline.
Comment: This sequence change creates a premature translational stop signal (p.Gln556*) in the PHEX gene. It is expected to result in an absent or disrupted protein product. Loss-of-function variants in PHEX are known to be pathogenic (PMID: 9097956, 9106524, 19219621). This variant is not present in population databases (gnomAD no frequency). This premature translational stop signal has been observed in individual(s) with hypophosphatemic rickets (PMID: 30682568, 31658436). In at least one individual the variant was observed to be de novo. ClinVar contains an entry for this variant (Variation ID: 936430). For these reasons, this variant has been classified as Pathogenic.

Literature cited by the submitters: PubMed 9097956; PubMed 9106524; PubMed 19219621; PubMed 30682568; PubMed 31658436.

NM_000444.6(PHEX):c.1666C>T (p.Gln556Ter)

Genes: PHEX (phosphate regulating endopeptidase X-linked; plus strand), PTCHD1-AS (PTCHD1 and PHEX antisense RNA; minus strand). Cytogenetic location: Xp22.11.
Variant type: single nucleotide variant.
Coding change: c.1666C>T on transcript NM_000444.6 (MANE Select); coding-DNA position 1666, C replaced by T.
Protein change: p.Gln556Ter; replaces glutamine 556 with a stop codon.
Molecular consequence: nonsense.
Genome position (GRCh38, 1-based): chrX:22,212,924, C>T. VCF-style: chrX-22212924-C-T. GRCh37 (hg19) VCF-style: chrX-22231041-C-T.
Other names: c.1666C>T, p.Gln556Ter (NM_001282754.2); short protein forms Q556*.
Identifiers: ClinVar variation 936430 (VCV000936430.9), dbSNP rs1934977011, ClinGen allele CA412575630.